The following is an entry in ClinVar:

NM_006494.4(ERF):c.947C>A (p.Ala316Asp)

Gene: ERF (ETS2 repressor factor; minus strand). Cytogenetic location: 19q13.2.
Variant type: single nucleotide variant.
Coding change: c.947C>A on transcript NM_006494.4 (MANE Select); coding-DNA position 947, C replaced by A.
Protein change: p.Ala316Asp; replaces alanine 316 with aspartic acid.
Molecular consequence: missense variant.
Genome position (GRCh38, 1-based): chr19:42,249,165, G>T on the plus strand (C>A on the coding strand, the complement: ERF is on the minus strand). VCF-style: chr19-42249165-G-T. GRCh37 (hg19) VCF-style: chr19-42753317-G-T.
Other names: c.722C>A, p.Ala241Asp (NM_001301035.2, NM_001308402.2, NM_001312656.2 and 1 more transcripts); c.140C>A, p.Ala47Asp (NM_001440421.1); short protein forms A241D, A316D, A47D.
Identifiers: ClinVar variation 4686983 (VCV004686983.1).

ClinVar aggregate classification (germline): Uncertain significance (1 of 4 stars; one submission).

Submission:

GeneDx
Classification: Uncertain significance. Last evaluated: 2025-07-21. Review status: criteria provided, single submitter. Criteria: GeneDx Variant Classification Process June 2021. Collection method: clinical testing. Allele origin: germline. Affected: yes.
Comment: Not observed at significant frequency in large population cohorts (gnomAD); In silico analysis suggests that this missense variant does not alter protein structure/function; Has not been previously published as pathogenic or benign to our knowledge